The following is an entry in ClinVar:

ClinVar aggregate classification (germline): Conflicting classifications of pathogenicity. Review status: criteria provided, conflicting classifications (1 of 4 stars). 2 submissions from 2 submitters: Likely pathogenic (1); Uncertain significance (1). Last evaluated 2022-02-09.

Conditions:
Long QT syndrome (LQTS). Identifiers: MedGen C0023976, MeSH D008133, MONDO:0002442. Disease mechanism: loss of function. Inheritance: Various modes of inheritance.
Long QT syndrome 2 (LQT2). Identifiers: Orphanet 101016, Orphanet 768, MedGen C3150943, MONDO:0013367, OMIM 613688.

Submissions (2):

Labcorp Genetics (formerly Invitae), Labcorp
Classification: Uncertain significance for Long QT syndrome. Last evaluated: 2022-02-09. Review status: criteria provided, single submitter. Criteria: Invitae Variant Classification Sherloc (09022015). Collection method: clinical testing. Allele origin: germline.
Comment: This sequence change replaces isoleucine, which is neutral and non-polar, with threonine, which is neutral and polar, at codon 82 of the KCNH2 protein (p.Ile82Thr). In summary, the available evidence is currently insufficient to determine the role of this variant in disease. Therefore, it has been classified as a Variant of Uncertain Significance. Experimental studies have shown that this missense change affects KCNH2 function (PMID: 23899126). Algorithms developed to predict the effect of missense changes on protein structure and function are either unavailable or do not agree on the potential impact of this missense change (SIFT: "Tolerated"; PolyPhen-2: "Possibly Damaging"; Align-GVGD: "Class C0"). ClinVar contains an entry for this variant (Variation ID: 585220). This missense change has been observed in individuals with long QT syndrome (PMID: 23899126; Invitae). This variant is not present in population databases (gnomAD no frequency).

Human Genome Sequencing Center Clinical Lab, Baylor College of Medicine
Classification: Likely pathogenic for Long QT syndrome 2. Last evaluated: 2017-06-05. Review status: criteria provided, single submitter. Criteria: ACMG Guidelines, 2015. Collection method: clinical testing. Allele origin: germline.
Comment: This c.245T>C (p.Ile82Thr) variant in the KCNH2 gene has previously been reported in dizigotic twins with long QT syndrome (LQTS) and a history of epilepsy controlled under medication [PMID 23899126]. Functional studies for this variant revealed a severe reduction in current density and modifications of gating properties, indicating a loss of function mechanism. This variant is not present in the ExAC population database and has not been previously observed in our patient's cohort. Isoleucine at amino acid position 82 of the KCNH2 protein is moderately conserved in mammals. While not clinically validated, computer-based algorithms predict this p.Ile82Thr change to be deleterious. It is thus interpreted as a likely pathogenic variant.

Literature cited by the submitters: PubMed 23899126 (cited by Labcorp Genetics (formerly Invitae), Labcorp).

NM_000238.4(KCNH2):c.245T>C (p.Ile82Thr)

Gene: KCNH2 (potassium voltage-gated channel subfamily H member 2; minus strand). Cytogenetic location: 7q36.1.
Variant type: single nucleotide variant.
Coding change: c.245T>C on transcript NM_000238.4 (MANE Select); coding-DNA position 245, T replaced by C.
Protein change: p.Ile82Thr; replaces isoleucine 82 with threonine.
Molecular consequence: missense variant.
Genome position (GRCh38, 1-based): chr7:150,974,773, A>G on the plus strand (T>C on the coding strand, the complement: KCNH2 is on the minus strand). VCF-style: chr7-150974773-A-G. GRCh37 (hg19) VCF-style: chr7-150671861-A-G.
Other names: c.68T>C, p.Ile23Thr (NM_001406755.1); c.245T>C, p.Ile82Thr (NM_172056.3); short protein forms I82T, I23T.
Identifiers: ClinVar variation 585220 (VCV000585220.7), dbSNP rs1563189895, ClinGen allele CA369865484.